The following is an entry in ClinVar:

ClinVar aggregate classification (germline): Likely pathogenic (0 of 4 stars; one submission).

Conditions:
Holoprosencephaly 5 (HPE5). Identifiers: Orphanet 2162, MedGen C1864827, MONDO:0012322, OMIM 609637.

Submission:

Division of Human Genetics, Children's Hospital of Philadelphia
Classification: Likely pathogenic for Holoprosencephaly-5. Last evaluated: 2014-10-31. Review status: no assertion criteria provided. Collection method: research. Allele origin: maternal. Affected: yes. Study: CSER-PediSeq.
Comment: This heterozygous variant (c.1245T>G; p.His415Gln) in the ZIC2 gene is considered likely pathogenic because it is absent from the ExAC database at this time and has been previously seen in one patient in a Holoprosencephaly affected cohort by Roessler et al. 2009 (PMID: 19177455) and the computational information is suggestive of a pathogenic effect by its predicted effect on the 5th Zn finger, which is essential for ZIC2 function.

Literature cited by the submitters: PubMed 19955556; PubMed 19177455.

NM_007129.5(ZIC2):c.1245T>G (p.His415Gln)

Gene: ZIC2 (Zic family member 2; plus strand). Cytogenetic location: 13q32.3.
Variant type: single nucleotide variant.
Coding change: c.1245T>G on transcript NM_007129.5 (MANE Select); coding-DNA position 1245, T replaced by G.
Protein change: p.His415Gln; replaces histidine 415 with glutamine.
Molecular consequence: missense variant.
Genome position (GRCh38, 1-based): chr13:99,985,328, T>G. VCF-style: chr13-99985328-T-G. GRCh37 (hg19) VCF-style: chr13-100637582-T-G.
Other names: short protein forms H415Q.
Identifiers: ClinVar variation 203372 (VCV000203372.1), dbSNP rs794729641, ClinGen allele CA275504.